The following is an entry in ClinVar:

NM_017636.4(TRPM4):c.2932A>G (p.Ile978Val)

Gene: TRPM4 (transient receptor potential cation channel subfamily M member 4; plus strand). Cytogenetic location: 19q13.33.
Variant type: single nucleotide variant.
Coding change: c.2932A>G on transcript NM_017636.4 (MANE Select); coding-DNA position 2932, A replaced by G.
Protein change: p.Ile978Val; replaces isoleucine 978 with valine.
Molecular consequence: missense variant.
Genome position (GRCh38, 1-based): chr19:49,200,764, A>G. VCF-style: chr19-49200764-A-G. GRCh37 (hg19) VCF-style: chr19-49704021-A-G.
Other names: c.2497A>G, p.Ile833Val (NM_001195227.2); c.2587A>G, p.Ile863Val (NM_001321281.2); c.1324A>G, p.Ile442Val (NM_001321282.2); c.2410A>G, p.Ile804Val (NM_001321283.2); c.1870A>G, p.Ile624Val (NM_001321285.2); short protein forms I442V, I624V, I804V, I833V, I863V, I978V.
Identifiers: ClinVar variation 1019328 (VCV001019328.9), dbSNP rs962480684, ClinGen allele CA309458533.

ClinVar aggregate classification (germline): Uncertain significance. Review status: criteria provided, multiple submitters, no conflicts (2 of 4 stars). 2 submissions from 2 submitters: Uncertain significance (2). Last evaluated 2025-07-30.

Conditions:
Progressive familial heart block type IB (PFHB1B). Identifiers: Orphanet 871, MedGen C1970298, MONDO:0011474, OMIM 604559.
Erythrokeratodermia variabilis et progressiva 6. Identifiers: MedGen C5193144, MONDO:0032801, OMIM 618531.

Allele frequency attached by ClinVar (database versions not stated): gnomAD exomes below 0.00001; TOPMed 0.00001.
gnomAD v4.1: 3 of 1,614,058 alleles (0.00019%); highest among the groups gnomAD compares: Admixed American, 0.005%; no homozygotes.

Submissions (2):

Labcorp Genetics (formerly Invitae), Labcorp
Classification: Uncertain significance for Progressive familial heart block type IB. Last evaluated: 2025-07-30. Review status: criteria provided, single submitter. Criteria: Invitae Variant Classification Sherloc (09022015). Collection method: clinical testing. Allele origin: germline.
Comment: This sequence change replaces isoleucine, which is neutral and non-polar, with valine, which is neutral and non-polar, at codon 978 of the TRPM4 protein (p.Ile978Val). This variant is present in population databases (no rsID available, gnomAD 0.003%). This variant has not been reported in the literature in individuals affected with TRPM4-related conditions. ClinVar contains an entry for this variant (Variation ID: 1019328). An algorithm developed to predict the effect of missense changes on protein structure and function outputs the following: PolyPhen-2: "Possibly Damaging". The valine amino acid residue is found in multiple mammalian species, which suggests that this missense change does not adversely affect protein function. In summary, the available evidence is currently insufficient to determine the role of this variant in disease. Therefore, it has been classified as a Variant of Uncertain Significance.

Fulgent Genetics
Classification: Uncertain significance for Progressive familial heart block type IB; Erythrokeratodermia variabilis et progressiva 6. Last evaluated: 2021-09-29. Review status: criteria provided, single submitter. Criteria: ACMG Guidelines, 2015. Collection method: clinical testing. Allele origin: unknown.